The following is an entry in ClinVar:

ClinVar aggregate classification (germline): Likely benign (0 of 4 stars; one submission).

Conditions:
ATG16L1-related disorder. Also called: ATG16L1-related condition.

Allele frequency attached by ClinVar (database versions not stated): TOPMed 0.00002; gnomAD 0.00003; 1000 Genomes Project 30x 0.00016; 1000 Genomes Project 0.00020.
gnomAD v4.1: 31 of 1,551,094 alleles (0.002%); highest among the groups gnomAD compares: Middle Eastern, 0.019%; no homozygotes.

Submission:

PreventionGenetics, part of Exact Sciences
Classification: Likely benign for ATG16L1-related condition. Last evaluated: 2019-02-26. Review status: no assertion criteria provided. Collection method: clinical testing. Allele origin: germline.
Comment: This variant is classified as likely benign based on ACMG/AMP sequence variant interpretation guidelines (Richards et al. 2015 PMID: 25741868, with internal and published modifications).

NM_030803.7(ATG16L1):c.60A>G (p.Gln20=)

Genes: ATG16L1 (autophagy related 16 like 1; plus strand), LOC129935882 (ATAC-STARR-seq lymphoblastoid active region 17335; plus strand). Cytogenetic location: 2q37.1.
Variant type: single nucleotide variant.
Coding change: c.60A>G on transcript NM_030803.7 (MANE Select); coding-DNA position 60, A replaced by G.
Protein change: p.Gln20=; no amino-acid change (glutamine 20 retained).
Molecular consequence: synonymous variant. On other transcripts: 5 prime UTR variant (2).
Genome position (GRCh38, 1-based): chr2:233,251,887, A>G. VCF-style: chr2-233251887-A-G. GRCh37 (hg19) VCF-style: chr2-234160533-A-G.
Other names: c.-191A>G (NM_001190266.2); c.-285A>G (NM_001190267.2); c.60A>G, p.Gln20= (NM_001363742.2, NM_017974.4, NM_198890.3).
Identifiers: ClinVar variation 3058537 (VCV003058537.2), dbSNP rs113377061, ClinGen allele CA2173397.